The following is an entry in ClinVar:

NM_020975.6(RET):c.2934G>A (p.Glu978=)

Gene: RET (ret proto-oncogene; plus strand). Cytogenetic location: 10q11.21.
Variant type: single nucleotide variant.
Coding change: c.2934G>A on transcript NM_020975.6 (MANE Select); coding-DNA position 2934, G replaced by A.
Protein change: p.Glu978=; no amino-acid change (glutamic acid 978 retained).
Molecular consequence: synonymous variant.
Genome position (GRCh38, 1-based): chr10:43,123,803, G>A. VCF-style: chr10-43123803-G-A. GRCh37 (hg19) VCF-style: chr10-43619251-G-A.
Other names: c.2934G>A, p.Glu978= (NM_000323.2, NM_001406743.1, NM_001406744.1 and 4 more transcripts); c.2172G>A, p.Glu724= (NM_001355216.2); c.2805G>A, p.Glu935= (NM_001406761.1, NM_001406762.1, NM_001406764.1); c.2799G>A, p.Glu933= (NM_001406763.1, NM_001406765.1); c.2646G>A, p.Glu882= (NM_001406766.1, NM_001406767.1, NM_001406770.1); c.2670G>A, p.Glu890= (NM_001406768.1); c.2538G>A, p.Glu846= (NM_001406769.1, NM_001406772.1); c.2496G>A, p.Glu832= (NM_001406771.1, NM_001406773.1); and 10 more.
Identifiers: ClinVar variation 477357 (VCV000477357.14), dbSNP rs767306671, ClinGen allele CA041520.

ClinVar aggregate classification (germline): Likely benign. Review status: criteria provided, multiple submitters, no conflicts (2 of 4 stars). 5 submissions from 5 submitters: Likely benign (5). Last evaluated 2025-11-04.

Conditions:
Multiple endocrine neoplasia, type 2 (MEN2). Identifiers: Orphanet 653, MedGen C4048306, MONDO:0019003. Disease mechanism: gain of function.
Hereditary cancer-predisposing syndrome. Also called: Tumor predisposition; Hereditary Cancer Syndrome; Neoplastic Syndromes, Hereditary; Hereditary neoplastic syndrome. Identifiers: Orphanet 140162, MedGen C0027672, MeSH D009386, MONDO:0015356.

Allele frequency attached by ClinVar (database versions not stated): gnomAD 0.00001; gnomAD exomes 0.00001 and 0.00003; TOPMed 0.00001; ExAC 0.00002.
gnomAD v4.1: 19 of 1,614,004 alleles (0.0012%); highest among the groups gnomAD compares: South Asian, 0.0099%; no homozygotes.

Submissions (5):

Labcorp Genetics (formerly Invitae), Labcorp
Classification: Likely benign for Multiple endocrine neoplasia, type 2. Last evaluated: 2025-11-04. Review status: criteria provided, single submitter. Criteria: Invitae Variant Classification Sherloc (09022015). Collection method: clinical testing. Allele origin: germline.

Blueprint Genetics
Classification: Likely benign. Last evaluated: 2023-02-17. Review status: criteria provided, single submitter. Criteria: ACMG Guidelines, 2015. Collection method: clinical testing. Allele origin: germline.

Color Diagnostics, LLC DBA Color Health
Classification: Likely benign for Multiple endocrine neoplasia, type 2. Last evaluated: 2022-09-29. Review status: criteria provided, single submitter. Criteria: ACMG Guidelines, 2015. Collection method: clinical testing. Allele origin: germline.

Ambry Genetics
Classification: Likely benign for Hereditary cancer-predisposing syndrome. Last evaluated: 2020-03-06. Review status: criteria provided, single submitter. Criteria: Ambry Variant Classification Scheme 2023. Collection method: clinical testing. Allele origin: germline.

GeneDx
Classification: Likely benign. Last evaluated: 2018-05-23. Review status: criteria provided, single submitter. Criteria: GeneDx Variant Classification (06012015). Collection method: clinical testing. Allele origin: germline. Affected: yes.
Comment: This variant is considered likely benign or benign based on one or more of the following criteria: it is a conservative change, it occurs at a poorly conserved position in the protein, it is predicted to be benign by multiple in silico algorithms, and/or has population frequency not consistent with disease.